The following is an entry in ClinVar:

NM_001754.5(RUNX1):c.1236C>T (p.Gly412=)

Gene: RUNX1 (RUNX family transcription factor 1; minus strand). Cytogenetic location: 21q22.12.
Variant type: single nucleotide variant.
Coding change: c.1236C>T on transcript NM_001754.5 (MANE Select); coding-DNA position 1236, C replaced by T.
Protein change: p.Gly412=; no amino-acid change (glycine 412 retained).
Molecular consequence: synonymous variant.
Genome position (GRCh38, 1-based): chr21:34,792,342, G>A on the plus strand (C>T on the coding strand, the complement: RUNX1 is on the minus strand). VCF-style: chr21-34792342-G-A. GRCh37 (hg19) VCF-style: chr21-36164639-G-A.
Other names: NM_001754.5(RUNX1):c.1236C>T; p.Gly412=; c.1236C>T (NM_001754.4); c.1155C>T, p.Gly385= (NM_001001890.3).
Identifiers: ClinVar variation 1091365 (VCV001091365.11), dbSNP rs1298273572, ClinGen allele CA512341201.
Genomic context (GRCh38, chr21:34,792,342, plus strand): 5'-GCAGGGCGGCAGGATGCGCGGCGGCGAGCGCTCGCCGCCCACCATGGAGAACTGGTAGGA[G>A]CCGGCCGAGGCGCCGTAGTACAGGTGGTAGGAGGGCGAGCTGGCTTGGAACGGGCCTCCC-3'
Protein context (NP_001745.2, residues 402-422): SYHLYYGASA[Gly412=]SYQFSMVGGE

ClinVar aggregate classification (germline): Likely benign. Review status: reviewed by expert panel (3 of 4 stars). 3 submissions from 3 submitters: Likely benign (1). 2 of the submissions do not count toward it. Last evaluated 2022-03-08.

Conditions:
Hereditary thrombocytopenia and hematologic cancer predisposition syndrome. Identifiers: Orphanet 71290, MedGen CN281654, MONDO:0011071.
Inborn genetic diseases. Identifiers: MedGen C0950123, MeSH D030342.
Hereditary thrombocytopenia and hematological cancer predisposition syndrome associated with RUNX1. Also called: PLATELET DISORDER, ASPIRIN-LIKE; RUNX1 Familial Platelet Disorder with Associated Myeloid Malignancies; Familial Platelet Disorder with Propensity to Acute Myelogenous Leukemia; Familial thrombocytopenia with propensity to acute myelogenous leukemia. Identifiers: Orphanet 71290, MedGen C1832388, MeSH C563324, MONDO:0100083, OMIM 601399.

Allele frequency attached by ClinVar (database versions not stated): TOPMed below 0.00001; gnomAD 0.00001.
gnomAD v4.1: 32 of 1,555,328 alleles (0.0021%); highest among the groups gnomAD compares: Non-Finnish European, 0.0026%; no homozygotes.

Submissions (3):

ClinGen Myeloid Malignancy Variant Curation Expert Panel
Classification: Likely benign for Hereditary thrombocytopenia and hematologic cancer predisposition syndrome. Last evaluated: 2022-03-08. Review status: reviewed by expert panel. Criteria: ClinGen MyeloMalig ACMG Specifications v2. Collection method: curation. Allele origin: germline. Inheritance: Autosomal dominant inheritance.
Comment: NM_001754.5(RUNX1):c.1236C>T (p.Gly412=) is a synonymous variant therefore no REVEL score is applicable and SpliceAI is ≤0.20 (0.00) (BP4). Evolutionary conservation prediction algorithms predict the site as not being conserved (PhyloP score 1.61874 < 2.0 or the variant is the reference nucleotide in one primate and/or three mammal species) (BP7). In summary, this variant meets the criteria to be classified as likely benign. ACMG/AMP criteria applied, as specified by the Myeloid Malignancy Variant Curation Expert Panel for RUNX1: BP4 and BP7.

Ambry Genetics
Classification: Likely benign for Inborn genetic diseases. Last evaluated: 2024-11-26. Review status: criteria provided, single submitter. Criteria: Ambry Variant Classification Scheme 2023. Collection method: clinical testing. Allele origin: germline. Not counted in ClinVar's aggregate classification.

Labcorp Genetics (formerly Invitae), Labcorp
Classification: Likely benign for Hereditary thrombocytopenia and hematological cancer predisposition syndrome associated with RUNX1. Last evaluated: 2024-04-15. Review status: criteria provided, single submitter. Criteria: Invitae Variant Classification Sherloc (09022015). Collection method: clinical testing. Allele origin: germline. Not counted in ClinVar's aggregate classification.